The following is an entry in ClinVar:

NM_000152.5(GAA):c.1437+3A>G

Gene: GAA (alpha glucosidase; plus strand). Cytogenetic location: 17q25.3.
Variant type: single nucleotide variant.
Coding change: c.1437+3A>G on transcript NM_000152.5 (MANE Select); 3 bases into the intron after coding-DNA position 1437, A replaced by G.
Molecular consequence: intron variant.
Genome position (GRCh38, 1-based): chr17:80,110,058, A>G. VCF-style: chr17-80110058-A-G. GRCh37 (hg19) VCF-style: chr17-78083857-A-G.
Other names: c.1437+3A>G (NM_001079803.3, NM_001079804.3, NM_000152.3).
Identifiers: ClinVar variation 1311683 (VCV001311683.4), dbSNP rs2143867314, ClinGen allele CA2573054602.

ClinVar aggregate classification (germline): Uncertain significance. Review status: criteria provided, multiple submitters, no conflicts (2 of 4 stars). 2 submissions from 2 submitters: Uncertain significance (2). Last evaluated 2020-12-18.

Allele frequency attached by ClinVar (database versions not stated): gnomAD exomes 0.00001.
gnomAD v4.1: 7 of 1,611,438 alleles (0.00043%); highest among the groups gnomAD compares: East Asian, 0.0045%; no homozygotes.

Submissions (2):

Revvity Omics, Revvity
Classification: Uncertain significance. Last evaluated: 2020-12-18. Review status: criteria provided, single submitter. Criteria: ACMG Guidelines, 2015. Collection method: clinical testing. Allele origin: germline.

GeneDx
Classification: Uncertain significance. Last evaluated: 2020-01-06. Review status: criteria provided, single submitter. Criteria: GeneDx Variant Classification Process June 2021. Collection method: clinical testing. Allele origin: germline. Affected: yes.
Comment: Not observed in large population cohorts (Lek et al., 2016); In-silico analysis, which includes splice predictors and evolutionary conservation, is inconclusive as to whether the variant alters gene splicing. In the absence of RNA/functional studies, the actual effect of this sequence change is unknown.